The following is an entry in ClinVar:

ClinVar aggregate classification (germline): Uncertain significance. Review status: criteria provided, multiple submitters, no conflicts (2 of 4 stars). 2 submissions from 2 submitters: Uncertain significance (2). Last evaluated 2025-05-26.

Conditions:
Hereditary cancer-predisposing syndrome. Also called: Neoplastic Syndromes, Hereditary; Tumor predisposition; Hereditary Cancer Syndrome; Hereditary neoplastic syndrome. Identifiers: Orphanet 140162, MedGen C0027672, MeSH D009386, MONDO:0015356.

Allele frequency attached by ClinVar (database versions not stated): gnomAD exomes below 0.00001; ExAC 0.00001.
gnomAD v4.1: 2 of 1,613,128 alleles (0.00012%); highest among the groups gnomAD compares: Non-Finnish European, 0.00017%; no homozygotes.

Submissions (2):

Ambry Genetics
Classification: Uncertain significance for Hereditary cancer-predisposing syndrome. Last evaluated: 2025-05-26. Review status: criteria provided, single submitter. Criteria: Ambry Variant Classification Scheme 2023. Collection method: clinical testing. Allele origin: germline.
Comment: The p.S582N variant (also known as c.1745G>A), located in coding exon 11 of the RAD50 gene, results from a G to A substitution at nucleotide position 1745. The serine at codon 582 is replaced by asparagine, an amino acid with highly similar properties.This amino acid position is not well conserved in available vertebrate species. In addition, this alteration is predicted to be tolerated by in silico analysis. Since supporting evidence is limited at this time, the clinical significance of this alteration remains unclear.

Labcorp Genetics (formerly Invitae), Labcorp
Classification: Uncertain significance for Hereditary cancer-predisposing syndrome. Last evaluated: 2021-03-13. Review status: criteria provided, single submitter. Criteria: Invitae Variant Classification Sherloc (09022015). Collection method: clinical testing. Allele origin: germline.
Comment: In summary, this variant is a novel missense change with uncertain impact on protein function. It has been classified as a Variant of Uncertain Significance. Algorithms developed to predict the effect of missense changes on protein structure and function do not agree on the potential impact of this missense change (SIFT: "Tolerated"; PolyPhen-2: "Possibly Damaging"; Align-GVGD: "Class C0"). The frequency data for this variant (rs771046832) in the population databases is unreliable, as metrics indicate poor quality at this position in the ExAC database. This variant has not been reported in the literature in individuals with a RAD50-related disease. This sequence change replaces serine with asparagine at codon 582 of the RAD50 protein (p.Ser582Asn). The serine residue is moderately conserved and there is a small physicochemical difference between serine and asparagine.

NM_005732.4(RAD50):c.1745G>A (p.Ser582Asn)

Gene: RAD50 (RAD50 double strand break repair protein; plus strand). Cytogenetic location: 5q31.1.
Variant type: single nucleotide variant.
Coding change: c.1745G>A on transcript NM_005732.4 (MANE Select); coding-DNA position 1745, G replaced by A.
Protein change: p.Ser582Asn; replaces serine 582 with asparagine.
Molecular consequence: missense variant.
Genome position (GRCh38, 1-based): chr5:132,591,986, G>A. VCF-style: chr5-132591986-G-A. GRCh37 (hg19) VCF-style: chr5-131927678-G-A.
Other names: short protein forms S582N.
Identifiers: ClinVar variation 457384 (VCV000457384.15), dbSNP rs771046832, ClinGen allele CA3405238.
Genomic context (GRCh38, chr5:132,591,986, plus strand): 5'-AATTAACCTCACTGTTGGGATATTTTCCCAACAAAAAACAGCTTGAAGACTGGCTACATA[G>A]TAAATCAAAAGAAATTAATCAGACCAGGGACAGACTTGCCAAATTGAAGTAAGTTGCAAC-3'
Protein context (NP_005723.2, residues 572-592): NKKQLEDWLH[Ser582Asn]KSKEINQTRD